The following is an entry in ClinVar:

NM_000540.3(RYR1):c.11314C>T (p.Arg3772Trp)

Gene: RYR1 (ryanodine receptor 1; plus strand). Cytogenetic location: 19q13.2.
Variant type: single nucleotide variant.
Coding change: c.11314C>T on transcript NM_000540.3 (MANE Select); coding-DNA position 11314, C replaced by T.
Protein change: p.Arg3772Trp; replaces arginine 3772 with tryptophan.
Molecular consequence: missense variant.
Genome position (GRCh38, 1-based): chr19:38,534,774, C>T. VCF-style: chr19-38534774-C-T. GRCh37 (hg19) VCF-style: chr19-39025414-C-T.
Other names: NM_000540.2(RYR1):c.11314C>T; p.Arg3772Trp; NM_000540.3(RYR1):c.11314C>T; c.11299C>T, p.Arg3767Trp (NM_001042723.2); short protein forms R3772W, R3767W.
Identifiers: ClinVar variation 478159 (VCV000478159.70), dbSNP rs763112609, ClinGen allele CA056681.

ClinVar aggregate classification (germline): Uncertain significance. Review status: reviewed by expert panel (3 of 4 stars). 14 submissions from 14 submitters: Uncertain significance (1). 13 of the submissions do not count toward it. Last evaluated 2026-04-20.

Conditions:
Central core myopathy (CMYO1A). Also called: CONGENITAL MYOPATHY 1A, AUTOSOMAL DOMINANT, WITH SUSCEPTIBILITY TO MALIGNANT HYPERTHERMIA; Central core disease; Myopathy, central fibrillar. Identifiers: Orphanet 597, MedGen C5830701, MONDO:0007294, OMIM 117000.
Congenital multicore myopathy with external ophthalmoplegia (CMYO1B). Also called: Minicore myopathy with external ophthalmoplegia; Congenital myopathy 1B, autosomal recessive; Minicore myopathy; MULTICORE MYOPATHY; MULTIMINICORE DISEASE WITH EXTERNAL OPHTHALMOPLEGIA. Identifiers: Orphanet 598, Orphanet 98905, MedGen C1850674, MONDO:0009712, OMIM 255320, HP:0003789.
RYR1-related myopathy. Identifiers: Orphanet 98742, MedGen CN305348, MONDO:0100150.
Malignant hyperthermia, susceptibility to, 1 (MHS1). Also called: Malignant hyperthermia suceptibility 1; Anesthesia related hyperthermia; Malignant hyperpyrexia; Fulminating hyperpyrexia; Pharmacogenic myopathy; RYR1-Related Malignant Hyperthermia Susceptibility. Identifiers: Orphanet 423, MedGen C2930980, MONDO:0007783, OMIM 145600.
RYR1-related disorder. Also called: RYR1-related disorders; RYR1-related condition. Identifiers: MedGen CN239331.

Allele frequency attached by ClinVar (database versions not stated): gnomAD exomes 0.00001; TOPMed 0.00001; ExAC 0.00002; gnomAD 0.00002.
gnomAD v4.1: 9 of 1,613,760 alleles (0.00056%); highest among the groups gnomAD compares: Admixed American, 0.0017%; no homozygotes.

Submissions 1 to 6 of 14:

ClinGen Malignant Hyperthermia Susceptibility Variant Curation Expert Panel, ClinGen
Classification: Uncertain significance for Malignant hyperthermia, susceptibility to, 1. Last evaluated: 2026-04-20. Review status: reviewed by expert panel. Criteria: ClinGen MHS ACMG Specifications V2. Collection method: curation. Allele origin: germline. Inheritance: Autosomal dominant inheritance.
Comment: This pathogenicity assessment is relevant only for malignant hyperthermia susceptibility (MHS) inherited in an autosomal dominant pattern. Variants in RYR1 can also cause other myopathies inherited in an autosomal dominant pattern or in an autosomal recessive pattern. Some of these disorders may predispose individuals to malignant hyperthermia. RYR1 variants may also contribute to a malignant hyperthermia reaction in combination with other genetic and non-genetic factors and the clinician needs to consider such factors in making management decisions. This sequence variant predicts a substitution of arginine with tryptophan at codon 3772 of the RYR1 protein, p.(Arg3772Trp). The maximum allele frequency for this variant among the six major gnomAD populations is NFE: 0.000027, a frequency consistent with pathogenicity for MHS. This variant has been reported in an individual with a personal or family history of an MH episode and a positive in vitro contracture test (IVCT) or caffeine halothane contracture test (CHCT) result (if the proband was unavailable for testing, a positive diagnostic test result in a mutation-positive relative was counted), PS4_Supporting (PMID: 19191329). No functional studies were identified for this variant. This variant does not reside in a hotspot for pathogenic variants that contribute to MHS. Another variant has been assessed as likely pathogenic occurs at this codon, p.(Arg3772Gln), PM5_Supporting. A REVEL score >0.85 (0.939) supports a pathogenic status for this variant, PP3_Moderate. This variant has been classified as a Variant of Unknown Significance. Criteria implemented: PS4_Supporting, PM5_Supporting, PP3_Moderate.

Labcorp Genetics (formerly Invitae), Labcorp
Classification: Pathogenic for RYR1-related disorder. Last evaluated: 2025-12-29. Review status: criteria provided, single submitter. Criteria: Invitae Variant Classification Sherloc (09022015). Collection method: clinical testing. Allele origin: germline. Not counted in ClinVar's aggregate classification.
Comment: This sequence change replaces arginine, which is basic and polar, with tryptophan, which is neutral and slightly polar, at codon 3772 of the RYR1 protein (p.Arg3772Trp). This variant is present in population databases (rs763112609, gnomAD 0.003%). This missense change has been observed in individuals with autosomal recessive RYR1-related conditions (PMID: 21062345, 24091937, 30611313). It has also been observed to segregate with disease in related individuals. This variant has been reported in individual(s) with malignant hyperthermia susceptibility and/or severe statin myopathy (PMID: 19191329, 21795085); however, the role of the variant in this condition is currently unclear. ClinVar contains an entry for this variant (Variation ID: 478159). Invitae Evidence Modeling of protein sequence and biophysical properties (such as structural, functional, and spatial information, amino acid conservation, physicochemical variation, residue mobility, and thermodynamic stability) indicates that this missense variant is expected to disrupt RYR1 protein function with a positive predictive value of 80%. This variant disrupts the p.Arg3772 amino acid residue in RYR1. Other variant(s) that disrupt this residue have been determined to be pathogenic (PMID: 17483490, 19645060). This suggests that this residue is clinically significant, and that variants that disrupt this residue are likely to be disease-causing. For these reasons, this variant has been classified as Pathogenic.

Mayo Clinic Laboratories, Mayo Clinic
Classification: Pathogenic. Last evaluated: 2025-07-16. Review status: criteria provided, single submitter. Criteria: ACMG Guidelines, 2015. Collection method: clinical testing. Allele origin: germline. Observed: 1 variant allele. Not counted in ClinVar's aggregate classification.
Comment: PP3_strong

3billion
Classification: Pathogenic for Congenital multicore myopathy with external ophthalmoplegia. Last evaluated: 2024-10-18. Review status: criteria provided, single submitter. Criteria: ACMG Guidelines, 2015. Collection method: clinical testing. Allele origin: germline. Affected: yes. Not counted in ClinVar's aggregate classification.
Comment: The variant is observed at an extremely low frequency in the gnomAD v4.1.0 dataset (total allele frequency: <0.001%). Predicted Consequence/Location: Missense variant In silico tool predictions suggest damaging effect of the variant on gene or gene product [REVEL: 0.94 (>=0.6, sensitivity 0.68 and specificity 0.92); 3Cnet: 0.99 (>=0.6, sensitivity 0.72 and precision 0.9)]. The same nucleotide change resulting in the same amino acid change has been previously reported as pathogenic/likely pathogenic with strong evidence (ClinVar ID: VCV000478159 /PMID: 19191329 /3billion dataset). The variant has been reported to be in trans with a pathogenic variant as either compound heterozygous or homozygous in at least one similarly affected unrelated individual (PMID: 21062345, 24091937, 30611313). Different missense changes at the same codon (p.Arg3772Gln, p.Arg3772Leu) have been reported as pathogenic/likely pathogenic with strong evidence (ClinVar ID: VCV000133012, VCV000808566 /PMID: 17483490). Therefore, this variant is classified as Pathogenic according to the recommendation of ACMG/AMP guideline.

Institute of Human Genetics Munich, TUM University Hospital
Classification: Likely pathogenic for Central core myopathy. Last evaluated: 2024-05-31. Review status: criteria provided, single submitter. Criteria: Classification criteria August 2017. Collection method: clinical testing. Allele origin: germline. Inheritance: Autosomal dominant inheritance. Affected: yes. Observed: 1 variant allele. Not counted in ClinVar's aggregate classification.

Broad Center for Mendelian Genomics, Broad Institute of MIT and Harvard
Classification: Likely pathogenic for RYR1-related myopathy. Last evaluated: 2024-03-13. Review status: criteria provided, single submitter. Criteria: ACMG Guidelines, 2015. Collection method: curation. Allele origin: germline. Inheritance: Autosomal recessive inheritance. Not counted in ClinVar's aggregate classification.
Comment: The p.Arg3772Trp variant in RYR1 has been previously reported in 5 unrelated individuals with RYR1-related myopathy (PMID: 21062345, PMID: 24091937, PMID: 19191329, PMID: 33726816), and segregated with disease in 5 affected relatives from 2 families (PMID: 24091937), but has been identified in 0.007% (1/15274) of Latino/Admixed American chromosomes by the Genome Aggregation Database (gnomAD; dbSNP ID: rs763112609). Although this variant has been seen in the general population in a heterozygous state, its frequency is low enough to be consistent with a recessive carrier frequency. Of these 5 unrelated affected individuals (PMID: 21062345, PMID: 24091937, PMID: 19191329, PMID: 33726816), three were compound heterozygotes who carried variants of uncertain significance in trans (PMID: 21062345, ClinVar ID 847185); PMID: 24091937, NC_000019.10:g.38448402A>G; PMID: 33726816, ClinVar Variation ID: 2230273), which increases the likelihood that the p.Arg3772Trp variant is pathogenic. This variant has also been reported in ClinVar (Variation ID: 478159) and has been interpreted as pathogenic by MGZ Medical Genetics Center and as likely pathogenic by Illumina Laboratory Services for RYR1-related myopathy. One additional likely pathogenic variant, resulting in a different amino acid change at the same position, p.Arg3772Gln, has been reported in association with disease in the literature and in ClinVar, slightly supporting that a change at this position may not be tolerated (PMID: 23553787, PMID: 18253926, PMID: 17483490, PMID: 22473935, PMID: 17483490); Variation ID: 133012). Computational prediction tools and conservation analyses suggest that this variant may impact the protein, though this information is not predictive enough to determine pathogenicity. In summary, although additional studies are required to fully establish its clinical significance, this variant is likely pathogenic for autosomal recessive minicore myopathy with external ophthalmoplegia. ACMG/AMP Criteria applied: PM2_Supporting, PM3, PM5_Supporting, PP1_Strong, PP3 (Richards 2015).